The following is an entry in ClinVar:

ClinVar aggregate classification (germline): Pathogenic/Likely pathogenic. Review status: criteria provided, multiple submitters, no conflicts (2 of 4 stars). 3 submissions from 3 submitters: Pathogenic (1); Likely pathogenic (2). Last evaluated 2026-09-16.

Conditions:
Autosomal dominant Alport syndrome (ATS3A). Also called: ALPORT SYNDROME 3A, AUTOSOMAL DOMINANT; Alport syndrome dominant type; Renal failure and sensorineural hearing loss. Identifiers: Orphanet 63, Orphanet 88918, MedGen C5882663, MONDO:0007086, OMIM 104200.
Hematuria, benign familial, 2 (BFH2). Identifiers: MedGen C5830421, MONDO:0958186, OMIM 620320.
Alport syndrome 3b, autosomal recessive. Identifiers: MedGen C5882699, MONDO:0957811, OMIM 620536.
Hematuria. Identifiers: MedGen C0018965, HP:0000790.

Submissions (3):

Genetics Laboratory, Great Ormond Street Hospital NHS Foundation Trust, North Thames Genomic Laboratory Hub
Classification: Likely pathogenic for Haematuria. Last evaluated: 2026-09-16. Review status: criteria provided, single submitter. Criteria: ACGS Best Practice Guidelines for Variant Classification in Rare Disease 2024 v1.2. Collection method: clinical testing. Allele origin: germline. Affected: yes.
Comment: PM2_moderate, PP3_supporting, PM1_strong

Fulgent Genetics
Classification: Likely pathogenic for Autosomal dominant Alport syndrome; Hematuria, benign familial, 2; Alport syndrome 3b, autosomal recessive. Last evaluated: 2023-12-29. Review status: criteria provided, single submitter. Criteria: ACMG Guidelines, 2015. Collection method: clinical testing. Allele origin: germline.

MVZ Medizinische Genetik Mainz
Classification: Pathogenic for Autosomal dominant Alport syndrome. Last evaluated: 2022-04-28. Review status: criteria provided, single submitter. Criteria: UK Practice Guidelines For Variant Classification V4 01 2020. Collection method: clinical testing. Allele origin: germline. Inheritance: Autosomal dominant inheritance. Affected: yes. Observed: 1 variant allele.
Comment: ACMG Criteria: PM1_STR, PM2_SUP, PP3, PP4

NM_000091.5(COL4A3):c.2302G>A (p.Gly768Arg)

Genes: COL4A3 (collagen type IV alpha 3 chain; plus strand), MFF-DT (MFF divergent transcript; minus strand). Cytogenetic location: 2q36.3.
Variant type: single nucleotide variant.
Coding change: c.2302G>A on transcript NM_000091.5 (MANE Select); coding-DNA position 2302, G replaced by A.
Protein change: p.Gly768Arg; replaces glycine 768 with arginine.
Molecular consequence: missense variant.
Genome position (GRCh38, 1-based): chr2:227,280,518, G>A. VCF-style: chr2-227280518-G-A. GRCh37 (hg19) VCF-style: chr2-228145234-G-A.
Other names: short protein forms G768R.
Identifiers: ClinVar variation 3066165 (VCV003066165.3), dbSNP rs2469754387, ClinGen allele CA350849191.